The following is an entry in ClinVar:

NM_022765.4(MICAL1):c.120A>T (p.Glu40Asp)

Gene: MICAL1 (microtubule associated monooxygenase, calponin and LIM domain containing 1; minus strand). Cytogenetic location: 6q21.
Variant type: single nucleotide variant.
Coding change: c.120A>T on transcript NM_022765.4 (MANE Select); coding-DNA position 120, A replaced by T.
Protein change: p.Glu40Asp; replaces glutamic acid 40 with aspartic acid.
Molecular consequence: missense variant.
Genome position (GRCh38, 1-based): chr6:109,454,077, T>A on the plus strand (A>T on the coding strand, the complement: MICAL1 is on the minus strand). VCF-style: chr6-109454077-T-A. GRCh37 (hg19) VCF-style: chr6-109775280-T-A.
Other names: c.120A>T, p.Glu40Asp (NM_001159291.2); c.177A>T, p.Glu59Asp (NM_001286613.2); short protein forms E59D, E40D.
Identifiers: ClinVar variation 1947887 (VCV001947887.5), dbSNP rs1490030501, ClinGen allele CA365234032.

ClinVar aggregate classification (germline): Uncertain significance (1 of 4 stars; one submission).

Allele frequency attached by ClinVar (database versions not stated): TOPMed below 0.00001; gnomAD exomes 0.00002.
gnomAD v4.1: 30 of 1,613,964 alleles (0.0019%); highest among the groups gnomAD compares: Non-Finnish European, 0.0025%; no homozygotes.

Submission:

Labcorp Genetics (formerly Invitae), Labcorp
Classification: Uncertain significance. Last evaluated: 2022-07-27. Review status: criteria provided, single submitter. Criteria: Invitae Variant Classification Sherloc (09022015). Collection method: clinical testing. Allele origin: germline.
Comment: This sequence change replaces glutamic acid, which is acidic and polar, with aspartic acid, which is acidic and polar, at codon 59 of the MICAL1 protein (p.Glu59Asp). This variant is not present in population databases (gnomAD no frequency). In summary, the available evidence is currently insufficient to determine the role of this variant in disease. Therefore, it has been classified as a Variant of Uncertain Significance. Algorithms developed to predict the effect of missense changes on protein structure and function (SIFT, PolyPhen-2, Align-GVGD) all suggest that this variant is likely to be tolerated. This variant has not been reported in the literature in individuals affected with MICAL1-related conditions.